The following is an entry in ClinVar:

ClinVar aggregate classification (germline): Likely benign (1 of 4 stars; one submission).

Submission:

CeGaT Center for Human Genetics Tuebingen
Classification: Likely benign. Last evaluated: 2026-09-01. Review status: criteria provided, single submitter. Criteria: CeGaT Center For Human Genetics Tuebingen Variant Classification Criteria Version 2. Collection method: clinical testing. Allele origin: germline. Affected: yes. Observed: 1 variant allele.
Comment: POU4F1: BS2

NM_006237.4(POU4F1):c.475_477del (p.Pro159del)

Genes: OBI1-AS1 (OBI1 antisense RNA 1; plus strand), POU4F1 (POU class 4 homeobox 1; minus strand). Cytogenetic location: 13q31.1.
Variant type: Deletion.
Coding change: c.475_477del on transcript NM_006237.4 (MANE Select); coding-DNA positions 475 to 477, 3 bases deleted (CCG; older notation c.475_477delCCG).
Protein change: p.Pro159del; deletes proline 159.
Genome position (GRCh38, 1-based): chr13:78,602,198-78,602,200, CGG deleted on the plus strand (CCG on the coding strand, the reverse complement: POU4F1 is on the minus strand). VCF-style (leftmost placement, unchanged base first): chr13-78602197-CCGG-C. GRCh37 (hg19) VCF-style: chr13-79176332-CCGG-C.
Other names: short protein forms P159del.
Identifiers: ClinVar variation 5041193 (VCV005041193.1).